The following is an entry in ClinVar:

ClinVar aggregate classification (germline): Uncertain significance (1 of 4 stars; one submission).

Submission:

GeneDx
Classification: Uncertain significance. Last evaluated: 2020-01-16. Review status: criteria provided, single submitter. Criteria: GeneDx Variant Classification Process June 2021. Collection method: clinical testing. Allele origin: germline. Affected: yes.
Comment: Not observed in large population cohorts (Lek 2016); In silico analysis, which includes protein predictors and evolutionary conservation, supports that this variant does not alter protein structure/function; Has not been previously published as pathogenic or benign to our knowledge

NM_003073.5(SMARCB1):c.13G>C (p.Ala5Pro)

Gene: SMARCB1 (SWI/SNF related, matrix associated, actin dependent regulator of chromatin, subfamily b, member 1; plus strand). Cytogenetic location: 22q11.23.
Variant type: single nucleotide variant.
Coding change: c.13G>C on transcript NM_003073.5 (MANE Select); coding-DNA position 13, G replaced by C.
Protein change: p.Ala5Pro; replaces alanine 5 with proline.
Molecular consequence: missense variant.
Genome position (GRCh38, 1-based): chr22:23,787,182, G>C. VCF-style: chr22-23787182-G-C. GRCh37 (hg19) VCF-style: chr22-24129369-G-C.
Other names: c.13G>C, p.Ala5Pro (NM_001007468.3, NM_001317946.2, NM_001362877.2); short protein forms A5P.
Identifiers: ClinVar variation 1313737 (VCV001313737.2), dbSNP rs1928040877, ClinGen allele CA410930427.